The following is an entry in ClinVar:

ClinVar aggregate classification (germline): Pathogenic/Likely pathogenic. Review status: criteria provided, multiple submitters, no conflicts (2 of 4 stars). 7 submissions from 7 submitters: Pathogenic (1); Likely pathogenic (5). 1 of the submissions does not count toward it. Last evaluated 2025-09-26.

Conditions:
H3F3B-related disorders.
H3-3B-related disorder. Also called: H3-3B-related condition.
Bryant-Li-Bhoj neurodevelopmental syndrome 2 (BRYLIB2). Also called: H3-3B syndrome. Identifiers: MedGen C5676906, MONDO:0030607, OMIM 619721. Disease mechanism: loss of function.

Submissions (7):

PreventionGenetics, part of Exact Sciences
Classification: Likely pathogenic for H3-3B-related condition. Last evaluated: 2025-09-26. Review status: criteria provided, single submitter. Criteria: ACMG Guidelines, 2015. Collection method: clinical testing. Allele origin: germline.
Comment: The H3-3B c.377A>G variant is predicted to result in the amino acid substitution p.Gln126Arg. This variant has been reported as de novo in at least three individuals with neurodegenerative disease with Bryant-Li-Bhoj syndrome (Table S1, Bryant. 2020. PubMed ID: 33268356; Table S1, Layo-Carris et al. 2024. PubMed ID: 38678163). This variant has not been reported in a large population database, indicating this variant is rare. This variant is interpreted as likely pathogenic.

Institute of Medical Genetics and Applied Genomics, University Hospital Tübingen
Classification: Likely pathogenic for Bryant-Li-Bhoj neurodevelopmental syndrome 2. Last evaluated: 2025-08-08. Review status: criteria provided, single submitter. Criteria: ACMG Guidelines, 2015. Collection method: clinical testing. Allele origin: germline. Inheritance: Autosomal dominant inheritance. Affected: yes.

Laboratory of Medical Genetics, University of Torino
Classification: Pathogenic for Bryant-Li-Bhoj neurodevelopmental syndrome 2. Last evaluated: 2022-11-29. Review status: criteria provided, single submitter. Criteria: ACMG Guidelines, 2015. Collection method: research. Allele origin: germline. Affected: yes. Study: NeuroWES.

3billion
Classification: Likely pathogenic for Bryant-Li-Bhoj neurodevelopmental syndrome 2. Last evaluated: 2022-05-22. Review status: criteria provided, single submitter. Criteria: ACMG Guidelines, 2015. Collection method: clinical testing. Allele origin: germline. Affected: yes. Observed: 1 heterozygote.
Comment: The variant is not observed in the gnomAD v2.1.1 dataset. In silico tool predictions suggest damaging effect of the variant on gene or gene product (REVEL: 0.72; 3Cnet: 3CNET). The variant has been previously reported as de novo in a similarly affected individual (PMID: 33268356). Therefore, this variant is classified as likely pathogenic according to the recommendation of ACMG/AMP guideline.

Laboratoire de Génétique Moléculaire, CHU Bordeaux
Classification: Likely pathogenic for Bryant-Li-Bhoj neurodevelopmental syndrome 2. Last evaluated: 2022-03-03. Review status: criteria provided, single submitter. Criteria: ACMG Guidelines, 2015. Collection method: clinical testing. Allele origin: germline. Affected: yes.

Blueprint Genetics
Classification: Likely pathogenic for H3F3B-related disorders. Last evaluated: 2020-12-16. Review status: criteria provided, single submitter. Criteria: ACMG Guidelines, 2015. Collection method: clinical testing. Allele origin: de novo. Affected: yes. Observed: 1 variant allele.

OMIM
Classification: Pathogenic for BRYANT-LI-BHOJ NEURODEVELOPMENTAL SYNDROME 2. Last evaluated: 2022-02-02. Review status: no assertion criteria provided. Collection method: literature only. Allele origin: germline. Not counted in ClinVar's aggregate classification.

Literature cited by the submitters: PubMed 33268356 (cited by 3billion); Bryant, L., Li, D., Cox, S. G., Marchione, D., Joiner, E. F., Wilson, K., Janssen, K., Lee, P., March, M. E., Nair, D., Sherr, E., Fregeau, B., and 119 others Histone H3.3 beyond cancer: germline mutations in histone 3 family 3A and 3B cause a previously unidentified neurodegenerative disorder in 46 patients. Sci. Adv. 6: eabc9207, 2020. (cited by OMIM).

NM_005324.5(H3-3B):c.377A>G (p.Gln126Arg)

Gene: H3-3B (H3.3 histone B; minus strand). Cytogenetic location: 17q25.1.
Variant type: single nucleotide variant.
Coding change: c.377A>G on transcript NM_005324.5 (MANE Select); coding-DNA position 377, A replaced by G.
Protein change: p.Gln126Arg; replaces glutamine 126 with arginine.
Molecular consequence: missense variant.
Genome position (GRCh38, 1-based): chr17:75,778,629, T>C on the plus strand (A>G on the coding strand, the complement: H3-3B is on the minus strand). VCF-style: chr17-75778629-T-C. GRCh37 (hg19) VCF-style: chr17-73774710-T-C.
Other names: H3F3B, GLN126ARG; short protein forms Q126R.
Identifiers: ClinVar variation 1339275 (VCV001339275.8), dbSNP rs2143629984, ClinGen allele CA401114983.